The following is an entry in ClinVar:

ClinVar aggregate classification (germline): Likely benign. Review status: criteria provided, multiple submitters, no conflicts (2 of 4 stars). 5 submissions from 5 submitters: Likely benign (4). 1 of the submissions does not count toward it. Last evaluated 2026-09-01.

Conditions:
MEGF10-related myopathy (CMYO10A). Also called: Congenital myopathy 10A, severe variant. Identifiers: Orphanet 439212, MedGen C3280679, MONDO:0013731, OMIM 614399.
MEGF10-related disorder. Also called: MEGF10-related condition.

Allele frequency attached by ClinVar (database versions not stated): gnomAD 0.00019; TOPMed 0.00019; ESP Exome Variant Server 0.00031.
gnomAD v4.1: 285 of 1,613,966 alleles (0.018%); highest among the groups gnomAD compares: African/African-American, 0.024%; no homozygotes.

Submissions (5):

CeGaT Center for Human Genetics Tuebingen
Classification: Likely benign. Last evaluated: 2026-09-01. Review status: criteria provided, single submitter. Criteria: CeGaT Center For Human Genetics Tuebingen Variant Classification Criteria Version 2. Collection method: clinical testing. Allele origin: germline. Affected: yes. Observed: 1 variant allele.
Comment: MEGF10: BP4, BP7

Labcorp Genetics (formerly Invitae), Labcorp
Classification: Likely benign for MEGF10-related myopathy. Last evaluated: 2025-09-28. Review status: criteria provided, single submitter. Criteria: Invitae Variant Classification Sherloc (09022015). Collection method: clinical testing. Allele origin: germline.

Laboratory of Genetics, Children's Clinical University Hospital Latvia
Classification: Likely benign. Last evaluated: 2025-02-16. Review status: criteria provided, single submitter. Criteria: ACMG Guidelines, 2015. Collection method: clinical testing. Allele origin: germline. Affected: yes.

GeneDx
Classification: Likely benign. Last evaluated: 2020-12-02. Review status: criteria provided, single submitter. Criteria: GeneDx Variant Classification Process June 2021. Collection method: clinical testing. Allele origin: germline. Affected: yes.

PreventionGenetics, part of Exact Sciences
Classification: Likely benign for MEGF10-related condition. Last evaluated: 2019-04-15. Review status: no assertion criteria provided. Collection method: clinical testing. Allele origin: germline. Not counted in ClinVar's aggregate classification.
Comment: This variant is classified as likely benign based on ACMG/AMP sequence variant interpretation guidelines (Richards et al. 2015 PMID: 25741868, with internal and published modifications).

NM_001256545.2(MEGF10):c.807C>T (p.Pro269=)

Gene: MEGF10 (multiple EGF like domains 10; plus strand). Cytogenetic location: 5q23.2.
Variant type: single nucleotide variant.
Coding change: c.807C>T on transcript NM_001256545.2 (MANE Select); coding-DNA position 807, C replaced by T.
Protein change: p.Pro269=; no amino-acid change (proline 269 retained).
Molecular consequence: synonymous variant.
Genome position (GRCh38, 1-based): chr5:127,402,572, C>T. VCF-style: chr5-127402572-C-T. GRCh37 (hg19) VCF-style: chr5-126738264-C-T.
Other names: c.807C>T, p.Pro269= (NM_001308119.2, NM_001308121.2, NM_032446.3).
Identifiers: ClinVar variation 385086 (VCV000385086.17), dbSNP rs146742773, ClinGen allele CA3391409.